The following is an entry in ClinVar:

NM_006245.4(PPP2R5D):c.1096C>T (p.Leu366Phe)

Gene: PPP2R5D (protein phosphatase 2 regulatory subunit B'delta; plus strand). Cytogenetic location: 6p21.1.
Variant type: single nucleotide variant.
Coding change: c.1096C>T on transcript NM_006245.4 (MANE Select); coding-DNA position 1096, C replaced by T.
Protein change: p.Leu366Phe; replaces leucine 366 with phenylalanine.
Molecular consequence: missense variant.
Genome position (GRCh38, 1-based): chr6:43,009,072, C>T. VCF-style: chr6-43009072-C-T. GRCh37 (hg19) VCF-style: chr6-42976810-C-T.
Other names: c.643C>T, p.Leu215Phe (NM_001270476.2); c.1000C>T, p.Leu334Phe (NM_180976.3); c.778C>T, p.Leu260Phe (NM_180977.3); short protein forms L260F, L215F, L334F, L366F.
Identifiers: ClinVar variation 1391144 (VCV001391144.6), dbSNP rs2150281206, ClinGen allele CA364193006.

ClinVar aggregate classification (germline): Uncertain significance (1 of 4 stars; one submission).

Submission:

Labcorp Genetics (formerly Invitae), Labcorp
Classification: Uncertain significance. Last evaluated: 2022-03-18. Review status: criteria provided, single submitter. Criteria: Invitae Variant Classification Sherloc (09022015). Collection method: clinical testing. Allele origin: germline.
Comment: This sequence change replaces leucine, which is neutral and non-polar, with phenylalanine, which is neutral and non-polar, at codon 366 of the PPP2R5D protein (p.Leu366Phe). This variant is not present in population databases (gnomAD no frequency). This variant has not been reported in the literature in individuals affected with PPP2R5D-related conditions. Algorithms developed to predict the effect of missense changes on protein structure and function are either unavailable or do not agree on the potential impact of this missense change (SIFT: "Deleterious"; PolyPhen-2: "Possibly Damaging"; Align-GVGD: "Class C15"). In summary, the available evidence is currently insufficient to determine the role of this variant in disease. Therefore, it has been classified as a Variant of Uncertain Significance.